The following is an entry in ClinVar:

ClinVar aggregate classification (germline): Uncertain significance. Review status: criteria provided, multiple submitters, no conflicts (2 of 4 stars). 2 submissions from 2 submitters: Uncertain significance (2). Last evaluated 2025-05-16.

Conditions:
Inborn genetic diseases. Identifiers: MedGen C0950123, MeSH D030342.

Submissions (2):

Ambry Genetics
Classification: Uncertain significance for Inborn genetic diseases. Last evaluated: 2025-05-16. Review status: criteria provided, single submitter. Criteria: Ambry Variant Classification Scheme 2023. Collection method: clinical testing. Allele origin: germline.

Labcorp Genetics (formerly Invitae), Labcorp
Classification: Uncertain significance. Last evaluated: 2024-12-02. Review status: criteria provided, single submitter. Criteria: Invitae Variant Classification Sherloc (09022015). Collection method: clinical testing. Allele origin: germline.
Comment: This sequence change replaces phenylalanine, which is neutral and non-polar, with leucine, which is neutral and non-polar, at codon 414 of the FRMD7 protein (p.Phe414Leu). This variant is not present in population databases (gnomAD no frequency). This variant has not been reported in the literature in individuals affected with FRMD7-related conditions. ClinVar contains an entry for this variant (Variation ID: 1465654). An algorithm developed to predict the effect of missense changes on protein structure and function (PolyPhen-2) suggests that this variant is likely to be disruptive. In summary, the available evidence is currently insufficient to determine the role of this variant in disease. Therefore, it has been classified as a Variant of Uncertain Significance.

NM_194277.3(FRMD7):c.1242C>A (p.Phe414Leu)

Gene: FRMD7 (FERM domain containing 7; minus strand). Cytogenetic location: Xq26.2.
Variant type: single nucleotide variant.
Coding change: c.1242C>A on transcript NM_194277.3 (MANE Select); coding-DNA position 1242, C replaced by A.
Protein change: p.Phe414Leu; replaces phenylalanine 414 with leucine.
Molecular consequence: missense variant.
Genome position (GRCh38, 1-based): chrX:132,078,775, G>T on the plus strand (C>A on the coding strand, the complement: FRMD7 is on the minus strand). VCF-style: chrX-132078775-G-T. GRCh37 (hg19) VCF-style: chrX-131212803-G-T.
Other names: c.1197C>A, p.Phe399Leu (NM_001306193.2); c.1242C>A (NM_194277.2); short protein forms F399L, F414L.
Identifiers: ClinVar variation 1465654 (VCV001465654.9), dbSNP rs773855252, ClinGen allele CA414679531.